The following is an entry in ClinVar:

ClinVar aggregate classification (germline): Benign. Review status: criteria provided, multiple submitters, no conflicts (2 of 4 stars). 2 submissions from 2 submitters: Benign (2). Last evaluated 2018-01-13.

Conditions:
Pyruvate dehydrogenase E3-binding protein deficiency (PDHXD). Also called: E3-Binding Protein (Component X) Deficiency; LACTIC ACIDEMIA DUE TO DEFECT IN LIPOYL-CONTAINING COMPONENT X OF THE PYRUVATE DEHYDROGENASE COMPLEX; Lacticacidemia due to PDX1 deficiency; PYRUVATE HYDROGENASE E3-BINDING PROTEIN DEFICIENCY. Identifiers: Orphanet 255182, MedGen C1855553, MONDO:0009503, OMIM 245349.

Allele frequency attached by ClinVar (database versions not stated): gnomAD exomes 0.77317; 1000 Genomes Project 0.78155; 1000 Genomes Project 30x 0.78264; TOPMed 0.80351; gnomAD 0.80370 and 0.80809.
gnomAD v4.1: 122,543 of 152,442 alleles (80%); highest among the groups gnomAD compares: African/African-American, 84%; 49,453 homozygotes.

Submissions (2):

Illumina Laboratory Services, Illumina
Classification: Benign for Pyruvate dehydrogenase E3-binding protein deficiency. Last evaluated: 2018-01-13. Review status: criteria provided, single submitter. Criteria: ICSL Variant Classification Criteria 13 December 2019. Collection method: clinical testing. Allele origin: germline.
Comment: This variant was observed in the ICSL laboratory as part of a predisposition screen in an ostensibly healthy population. It had not been previously curated by ICSL or reported in the Human Gene Mutation Database (HGMD: prior to June 1st, 2018), and was therefore a candidate for classification through an automated scoring system. Utilizing variant allele frequency, disease prevalence and penetrance estimates, and inheritance mode, an automated score was calculated to assess if this variant is too frequent to cause the disease. Based on the score and internal cut-off values, a variant classified as benign is not then subjected to further curation. The score for this variant resulted in a classification of benign for this disease.

Breakthrough Genomics
Classification: Benign. Review status: criteria provided, single submitter. Criteria: ACMG Guidelines, 2015. Collection method: not provided. Allele origin: germline. Inheritance: Autosomal recessive inheritance. Affected: yes.

NM_003477.3(PDHX):c.*644C>A

Gene: PDHX (pyruvate dehydrogenase complex component X; plus strand). Cytogenetic location: 11p13.
Variant type: single nucleotide variant.
Coding change: c.*644C>A on transcript NM_003477.3 (MANE Select); 644 bases downstream of the stop codon, C replaced by A.
Molecular consequence: 3 prime UTR variant.
Genome position (GRCh38, 1-based): chr11:34,995,816, C>A. VCF-style: chr11-34995816-C-A. GRCh37 (hg19) VCF-style: chr11-35017363-C-A.
Other names: c.*644C>A (NM_001135024.2, NM_001166158.2).
Identifiers: ClinVar variation 304482 (VCV000304482.6), dbSNP rs7808, ClinGen allele CA10630808.
Genomic context (GRCh38, chr11:34,995,816, plus strand): 5'-GTTTAGGGTGGTTTCTATCTGTCTTGTTTTTCACTTATATAACACTGTGAACTTCTAAAG[C>A]AAGAGGATAAAAGAAGCATGAATGAAAAGAATGACATTTCAAAAAAATGGTTCAATGAAA-3'